The following is an entry in ClinVar:

NM_001110556.2(FLNA):c.3588G>C (p.Glu1196Asp)

Gene: FLNA (filamin A; minus strand). Cytogenetic location: Xq28.
Variant type: single nucleotide variant.
Coding change: c.3588G>C on transcript NM_001110556.2 (MANE Select); coding-DNA position 3588, G replaced by C.
Protein change: p.Glu1196Asp; replaces glutamic acid 1196 with aspartic acid.
Molecular consequence: missense variant.
Genome position (GRCh38, 1-based): chrX:154,360,207, C>G on the plus strand (G>C on the coding strand, the complement: FLNA is on the minus strand). VCF-style: chrX-154360207-C-G. GRCh37 (hg19) VCF-style: chrX-153588575-C-G.
Other names: c.3588G>C, p.Glu1196Asp (NM_001456.4); short protein forms E1196D.
Identifiers: ClinVar variation 842133 (VCV000842133.10), dbSNP rs2067694581, ClinGen allele CA415224168.

ClinVar aggregate classification (germline): Uncertain significance (1 of 4 stars; one submission).

Conditions:
Heterotopia, periventricular, X-linked dominant (PVNH1). Also called: PERIVENTRICULAR NODULAR HETEROTOPIA 1; X-linked periventricular heterotopia; PERIVENTRICULAR NODULAR HETEROTOPIA 4; HETEROTOPIA, PERIVENTRICULAR, 1. Identifiers: Orphanet 2149, Orphanet 82004, MedGen C1848213, MONDO:0010233, OMIM 300049.
Oto-palato-digital syndrome, type II (OPD2). Also called: OPD II SYNDROME; FACIOPALATOOSSEOUS SYNDROME; Otopalatodigital Syndrome Type 2 (FLNA-OPD2); Otopalatodigital Syndrome, Type II. Identifiers: Orphanet 669, Orphanet 90652, MedGen C1844696, MONDO:0010571, OMIM 304120.
Frontometaphyseal dysplasia (FMD1). Identifiers: Orphanet 1826, MedGen C0265293, MONDO:0015942.
Melnick-Needles syndrome (MNS). Also called: MELNICK-NEEDLES OSTEODYSPLASTY; OSTEODYSPLASTY OF MELNICK AND NEEDLES; Melnick-Needles Syndrome (FLNA-MNS). Identifiers: Orphanet 2484, MedGen C0025237, MONDO:0010650, OMIM 309350.

Allele frequency attached by ClinVar (database versions not stated): TOPMed 0.00001.

Submission:

Labcorp Genetics (formerly Invitae), Labcorp
Classification: Uncertain significance for Oto-palato-digital syndrome, type II; Heterotopia, periventricular, X-linked dominant; Frontometaphyseal dysplasia; Melnick-Needles syndrome. Last evaluated: 2019-03-26. Review status: criteria provided, single submitter. Criteria: Invitae Variant Classification Sherloc (09022015). Collection method: clinical testing. Allele origin: germline.
Comment: In summary, the available evidence is currently insufficient to determine the role of this variant in disease. Therefore, it has been classified as a Variant of Uncertain Significance. Algorithms developed to predict the effect of missense changes on protein structure and function are either unavailable or do not agree on the potential impact of this missense change (SIFT: "Deleterious"; PolyPhen-2: "Benign"; Align-GVGD: "Class C35"). This variant has not been reported in the literature in individuals with FLNA-related conditions. This variant is not present in population databases (ExAC no frequency). This sequence change replaces glutamic acid with aspartic acid at codon 1196 of the FLNA protein (p.Glu1196Asp). The glutamic acid residue is highly conserved and there is a small physicochemical difference between glutamic acid and aspartic acid.